The following is an entry in ClinVar:

ClinVar aggregate classification (germline): Pathogenic. Review status: criteria provided, multiple submitters, no conflicts (2 of 4 stars). 3 submissions from 3 submitters: Pathogenic (2). 1 of the submissions does not count toward it. Last evaluated 2025-06-12.

Conditions:
Severe intellectual disability-poor language-strabismus-grimacing face-long fingers syndrome (GAND). Also called: GAND SYNDROME. Identifiers: Orphanet 363686, MedGen C3554448, MONDO:0014034, OMIM 615074.

Submissions (3):

GeneDx
Classification: Pathogenic. Last evaluated: 2025-06-12. Review status: criteria provided, single submitter. Criteria: GeneDx Variant Classification Process June 2021. Collection method: clinical testing. Allele origin: germline. Affected: yes.
Comment: Frameshift variant predicted to result in protein truncation or nonsense mediated decay in a gene for which loss-of-function is a known mechanism of disease; Not observed at significant frequency in large population cohorts (gnomAD); This variant is associated with the following publications: (PMID: 31949314, 36114283, 23644463, 38259611)

Labcorp Genetics (formerly Invitae), Labcorp
Classification: Pathogenic. Last evaluated: 2023-01-18. Review status: criteria provided, single submitter. Criteria: Invitae Variant Classification Sherloc (09022015). Collection method: clinical testing. Allele origin: germline.
Comment: For these reasons, this variant has been classified as Pathogenic. This premature translational stop signal has been observed in individual(s) with clinical features of GATAD2B-related conditions (PMID: 23644463). This sequence change creates a premature translational stop signal (p.Gln190Alafs*34) in the GATAD2B gene. It is expected to result in an absent or disrupted protein product. Loss-of-function variants in GATAD2B are known to be pathogenic (PMID: 23033978, 25356899, 27159321). This variant is not present in population databases (gnomAD no frequency).

OMIM
Classification: Pathogenic for GAND SYNDROME. Last evaluated: 2013-08-01. Review status: no assertion criteria provided. Collection method: literature only. Allele origin: germline. Not counted in ClinVar's aggregate classification.

Literature cited by the submitters: PubMed 23644463 (cited by Labcorp Genetics (formerly Invitae), Labcorp and OMIM); PubMed 23033978 (cited by Labcorp Genetics (formerly Invitae), Labcorp); PubMed 25356899 (cited by Labcorp Genetics (formerly Invitae), Labcorp); PubMed 27159321 (cited by Labcorp Genetics (formerly Invitae), Labcorp).

NM_020699.4(GATAD2B):c.565_566del (p.Gln190fs)

Gene: GATAD2B (GATA zinc finger domain containing 2B; minus strand). Cytogenetic location: 1q21.3.
Variant type: Microsatellite.
Coding change: c.565_566del on transcript NM_020699.4 (MANE Select); coding-DNA positions 565 to 566, 2 bases deleted (AG; older notation c.565_566delAG).
Protein change: p.Gln190fs; shifts the reading frame from glutamine 190.
Molecular consequence: frameshift variant.
Genome position (GRCh38, 1-based): chr1:153,818,822-153,818,823, CT deleted on the plus strand (AG on the coding strand, the reverse complement: GATAD2B is on the minus strand); deleting any 2 consecutive bases within chr1:153,818,822-153,818,825 gives the same sequence; the c. name uses the placement nearest the transcript's 3' end. VCF-style (leftmost placement, unchanged base first): chr1-153818821-ACT-A. GRCh37 (hg19) VCF-style: chr1-153791297-ACT-A.
Other names: short protein forms Q190fs.
Identifiers: ClinVar variation 65423 (VCV000065423.8), dbSNP rs886037647, ClinGen allele CA10575602.